The following is an entry in ClinVar:

NC_000023.10:g.(?_153579929)_(153649363_?)dup

Genes: DNASE1L1 (deoxyribonuclease 1 like 1; minus strand), EMD (emerin; plus strand), FLNA (filamin A; minus strand), RPL10 (ribosomal protein L10; plus strand), TAFAZZIN (tafazzin, phospholipid-lysophospholipid transacylase; plus strand). Cytogenetic location: Xq28.
Variant type: Duplication.
Identifiers: ClinVar variation 1014944 (VCV001014944.7).

ClinVar aggregate classification (germline): Uncertain significance. Review status: criteria provided, single submitter (1 of 4 stars). 2 submissions from 1 submitter: Uncertain significance (2). Last evaluated 2018-04-10.

Conditions:
Melnick-Needles syndrome (MNS). Also called: MELNICK-NEEDLES OSTEODYSPLASTY; OSTEODYSPLASTY OF MELNICK AND NEEDLES; Melnick-Needles Syndrome (FLNA-MNS). Identifiers: Orphanet 2484, MedGen C0025237, MONDO:0010650, OMIM 309350.
Oto-palato-digital syndrome, type II (OPD2). Also called: FACIOPALATOOSSEOUS SYNDROME; Otopalatodigital Syndrome, Type II; OPD II SYNDROME; Otopalatodigital Syndrome Type 2 (FLNA-OPD2). Identifiers: Orphanet 669, Orphanet 90652, MedGen C1844696, MONDO:0010571, OMIM 304120.
Frontometaphyseal dysplasia 1 (FMD1). Also called: Frontometaphyseal Dysplasia (FLNA-FMD). Identifiers: Orphanet 1826, MedGen C4281559, MONDO:0024550, OMIM 305620.
Heterotopia, periventricular, X-linked dominant (PVNH1). Also called: PERIVENTRICULAR NODULAR HETEROTOPIA 1; X-linked periventricular heterotopia; PERIVENTRICULAR NODULAR HETEROTOPIA 4; HETEROTOPIA, PERIVENTRICULAR, 1. Identifiers: Orphanet 2149, Orphanet 82004, MedGen C1848213, MONDO:0010233, OMIM 300049.
Frontometaphyseal dysplasia (FMD1). Identifiers: Orphanet 1826, MedGen C0265293, MONDO:0015942.

Submissions (2):

Labcorp Genetics (formerly Invitae), Labcorp
Classification: Uncertain significance for Oto-palato-digital syndrome, type II; Periventricular nodular heterotopia 1; Frontometaphyseal dysplasia; Melnick-Needles syndrome. Last evaluated: 2018-04-10. Review status: criteria provided, single submitter. Criteria: Invitae Variant Classification Sherloc (09022015). Collection method: clinical testing. Allele origin: germline.
Comment: This variant results in a copy number gain of the genomic region encompassing exons 1-42 of the FLNA gene. The 5' end of this event is unknown as it extends beyond the assayed region for this gene and therefore may encompass additional genes. The 3' boundary is likely confined to intron 42 of the FLNA gene. As the precise location of this event is unknown, it may be in tandem or it may be located elsewhere in the genome. This variant has not been reported in the literature in individuals with FLNA-related disease. Experimental studies and prediction algorithms are not available for this variant, and the functional significance of the duplicated amino acid(s) is currently unknown. In summary, the available evidence is currently insufficient to determine the role of this variant in disease. Therefore, it has been classified as a Variant of Uncertain Significance.

Labcorp Genetics (formerly Invitae), Labcorp
Classification: Uncertain significance for Oto-palato-digital syndrome, type II; Heterotopia, periventricular, X-linked dominant; Frontometaphyseal dysplasia; Melnick-Needles syndrome. Last evaluated: 2018-04-09. Review status: criteria provided, single submitter. Criteria: Invitae Variant Classification Sherloc (09022015). Collection method: clinical testing. Allele origin: germline.
Comment: This variant results in a copy number gain of the genomic region encompassing exons 1-42 of the FLNA gene. The 5' end of this event is unknown as it extends beyond the assayed region for this gene and therefore may encompass additional genes. The 3' boundary is likely confined to intron 42 of the FLNA gene. As the precise location of this event is unknown, it may be in tandem or it may be located elsewhere in the genome. This variant has not been reported in the literature in individuals with FLNA-related disease. In summary, the available evidence is currently insufficient to determine the role of this variant in disease. Therefore, it has been classified as a Variant of Uncertain Significance. Experimental studies and prediction algorithms are not available for this variant, and the functional significance of the duplicated amino acid(s) is currently unknown.